The following is an entry in ClinVar:

NM_001286577.2(C2CD3):c.6512A>C (p.Asn2171Thr)

Gene: C2CD3 (C2 domain containing 3 centriole elongation regulator; minus strand). Cytogenetic location: 11q13.4.
Variant type: single nucleotide variant.
Coding change: c.6512A>C on transcript NM_001286577.2 (MANE Select); coding-DNA position 6512, A replaced by C.
Protein change: p.Asn2171Thr; replaces asparagine 2171 with threonine.
Molecular consequence: missense variant.
Genome position (GRCh38, 1-based): chr11:74,033,648, T>G on the plus strand (A>C on the coding strand, the complement: C2CD3 is on the minus strand). VCF-style: chr11-74033648-T-G. GRCh37 (hg19) VCF-style: chr11-73744693-T-G.
Other names: short protein forms N2171T.
Identifiers: ClinVar variation 1525619 (VCV001525619.5), dbSNP rs1365583390, ClinGen allele CA381820060.

ClinVar aggregate classification (germline): Uncertain significance (1 of 4 stars; one submission).

Allele frequency attached by ClinVar (database versions not stated): gnomAD exomes 0.00002.
gnomAD v4.1: 17 of 1,535,932 alleles (0.0011%); highest among the groups gnomAD compares: Non-Finnish European, 0.0012%; no homozygotes.

Submission:

Labcorp Genetics (formerly Invitae), Labcorp
Classification: Uncertain significance. Last evaluated: 2025-10-22. Review status: criteria provided, single submitter. Criteria: Invitae Variant Classification Sherloc (09022015). Collection method: clinical testing. Allele origin: germline.
Comment: The C2CD3 gene has multiple clinically relevant transcripts. This variant occurs in alternate transcript NM_001286577.1, and corresponds to NM_015531.6:c.*950A>C in the primary transcript. This sequence change replaces asparagine, which is neutral and polar, with threonine, which is neutral and polar, at codon 2171 of the C2CD3 protein (p.Asn2171Thr). This variant is present in population databases (no rsID available, gnomAD 0.01%). This variant has not been reported in the literature in individuals affected with C2CD3-related conditions. Experimental studies and prediction algorithms are not available or were not evaluated, and the functional significance of this variant is currently unknown. In summary, the available evidence is currently insufficient to determine the role of this variant in disease. Therefore, it has been classified as a Variant of Uncertain Significance.